The following is an entry in ClinVar:

ClinVar aggregate classification (germline): Conflicting classifications of pathogenicity. Review status: criteria provided, conflicting classifications (1 of 4 stars). 2 submissions from 2 submitters: Pathogenic (1); Uncertain significance (1). Last evaluated 2025-02-20.

Conditions:
Hereditary cancer-predisposing syndrome. Also called: Hereditary neoplastic syndrome; Hereditary Cancer Syndrome; Neoplastic Syndromes, Hereditary; Tumor predisposition. Identifiers: Orphanet 140162, MedGen C0027672, MeSH D009386, MONDO:0015356.
EGFR-related lung cancer (EGFR). Identifiers: MedGen CN130014.

Allele frequency attached by ClinVar (database versions not stated): TOPMed below 0.00001; gnomAD 0.00001.
gnomAD v4.1: 1 of 1,614,146 alleles (0.000062%); highest among the groups gnomAD compares: Non-Finnish European, 0.000085%; no homozygotes.

Submissions (2):

Ambry Genetics
Classification: Uncertain significance for Hereditary cancer-predisposing syndrome. Last evaluated: 2025-02-20. Review status: criteria provided, single submitter. Criteria: Ambry Variant Classification Scheme 2023. Collection method: clinical testing. Allele origin: germline.
Comment: The p.R531* variant (also known as c.1591C>T), located in coding exon 13 of the EGFR gene, results from a C to T substitution at nucleotide position 1591. This changes the amino acid from an arginine to a stop codon within coding exon 13. This alteration is expected to result in loss of function by premature protein truncation or nonsense-mediated mRNA decay. Loss-of-function variants subject to nonsense mediated decay (NMD) in EGFR are known to cause EGFR-related neonatal inflammatory skin and bowel disease; however, such associations with EGFR-related lung cancer have not been reported. Based on the supporting evidence, this alteration is pathogenic for EGFR-related neonatal inflammatory skin and bowel disease; however, the association of this alteration with EGFR-related lung cancer is unknown.

Labcorp Genetics (formerly Invitae), Labcorp
Classification: Pathogenic for EGFR-related lung cancer. Last evaluated: 2023-12-27. Review status: criteria provided, single submitter. Criteria: Invitae Variant Classification Sherloc (09022015). Collection method: clinical testing. Allele origin: germline.
Comment: This sequence change creates a premature translational stop signal (p.Arg531*) in the EGFR gene. It is expected to result in an absent or disrupted protein product. Loss-of-function variants in EGFR are known to be pathogenic (PMID: 7630400, 28726809, 29899996). This variant is not present in population databases (gnomAD no frequency). This variant has not been reported in the literature in individuals affected with EGFR-related conditions. ClinVar contains an entry for this variant (Variation ID: 1403759). Algorithms developed to predict the effect of sequence changes on RNA splicing suggest that this variant may disrupt the consensus splice site. For these reasons, this variant has been classified as Pathogenic.

Literature cited by the submitters: PubMed 7630400 (cited by Labcorp Genetics (formerly Invitae), Labcorp); PubMed 28726809 (cited by Labcorp Genetics (formerly Invitae), Labcorp); PubMed 29899996 (cited by Labcorp Genetics (formerly Invitae), Labcorp).

NM_005228.5(EGFR):c.1591C>T (p.Arg531Ter)

Gene: EGFR (epidermal growth factor receptor; plus strand). Cytogenetic location: 7p11.2.
Variant type: single nucleotide variant.
Coding change: c.1591C>T on transcript NM_005228.5 (MANE Select); coding-DNA position 1591, C replaced by T.
Protein change: p.Arg531Ter; replaces arginine 531 with a stop codon.
Molecular consequence: nonsense.
Genome position (GRCh38, 1-based): chr7:55,161,591, C>T. VCF-style: chr7-55161591-C-T. GRCh37 (hg19) VCF-style: chr7-55229284-C-T.
Other names: c.1456C>T, p.Arg486Ter (NM_001346897.2, NM_001346899.2); c.1591C>T, p.Arg531Ter (NM_001346898.2, NM_201282.2, NM_201284.2); c.1432C>T, p.Arg478Ter (NM_001346900.2); c.790C>T, p.Arg264Ter (NM_001346941.2); c.1591C>T (NM_005228.3); short protein forms R486*, R264*, R531*, R478*.
Identifiers: ClinVar variation 1403759 (VCV001403759.7), dbSNP rs1785707212, ClinGen allele CA367579957.